The following is an entry in ClinVar:

ClinVar aggregate classification (germline): Benign. Review status: criteria provided, multiple submitters, no conflicts (2 of 4 stars). 5 submissions from 5 submitters: Benign (5). Last evaluated 2026-02-03.

Conditions:
Spermatogenic failure 18. Identifiers: MedGen C4539783, MONDO:0054615, OMIM 617576.
Ciliary dyskinesia, primary, 37 (CILD37). Also called: CILIARY DYSKINESIA, PRIMARY, 37, WITH OR WITHOUT SITUS INVERSUS. Identifiers: MedGen C4539798, MONDO:0033204, OMIM 617577.

Allele frequency attached by ClinVar (database versions not stated): gnomAD exomes 0.00256 and 0.00611; ExAC 0.00722; gnomAD 0.02363 and 0.02539; ESP Exome Variant Server 0.02461; TOPMed 0.02636; 1000 Genomes Project 0.02935; 1000 Genomes Project 30x 0.03279.
gnomAD v4.1: 7,560 of 1,613,944 alleles (0.47%); highest among the groups gnomAD compares: African/African-American, 8.1%; 275 homozygotes.

Submissions (5):

Labcorp Genetics (formerly Invitae), Labcorp
Classification: Benign for Ciliary dyskinesia, primary, 37; Spermatogenic failure 18. Last evaluated: 2026-02-03. Review status: criteria provided, single submitter. Criteria: Invitae Variant Classification Sherloc (09022015). Collection method: clinical testing. Allele origin: germline.

Mayo Clinic Laboratories, Mayo Clinic
Classification: Benign. Last evaluated: 2024-10-17. Review status: criteria provided, single submitter. Criteria: ACMG Guidelines, 2015. Collection method: clinical testing. Allele origin: germline. Observed: 4 variant alleles.
Comment: BA1, BS2

ARUP Laboratories, Molecular Genetics and Genomics, ARUP Laboratories
Classification: Benign. Last evaluated: 2023-09-21. Review status: criteria provided, single submitter. Criteria: ARUP Molecular Germline Variant Investigation Process 2024. Collection method: clinical testing. Allele origin: germline.

GeneDx
Classification: Benign. Last evaluated: 2018-07-14. Review status: criteria provided, single submitter. Criteria: GeneDx Variant Classification Process June 2021. Collection method: clinical testing. Allele origin: germline. Affected: yes.
Comment: This variant is associated with the following publications: (PMID: 31213628)

Breakthrough Genomics
Classification: Benign. Review status: criteria provided, single submitter. Criteria: ACMG Guidelines, 2015. Collection method: not provided. Allele origin: germline. Inheritance: Autosomal recessive inheritance. Affected: yes.

Literature cited by the submitters: PubMed 31213628 (cited by Mayo Clinic Laboratories, Mayo Clinic).

NM_015512.5(DNAH1):c.4504G>A (p.Val1502Met)

Gene: DNAH1 (dynein axonemal heavy chain 1; plus strand). Cytogenetic location: 3p21.1.
Variant type: single nucleotide variant.
Coding change: c.4504G>A on transcript NM_015512.5 (MANE Select); coding-DNA position 4504, G replaced by A.
Protein change: p.Val1502Met; replaces valine 1502 with methionine.
Molecular consequence: missense variant.
Genome position (GRCh38, 1-based): chr3:52,360,012, G>A. VCF-style: chr3-52360012-G-A. GRCh37 (hg19) VCF-style: chr3-52394028-G-A.
Other names: p.Val1502Met; short protein forms V1502M.
Identifiers: ClinVar variation 478448 (VCV000478448.16), dbSNP rs17052095, ClinGen allele CA2433923.